The following is an entry in ClinVar:

NM_020247.5(COQ8A):c.1610T>G (p.Val537Gly)

Gene: COQ8A (coenzyme Q8A; plus strand). Cytogenetic location: 1q42.13.
Variant type: single nucleotide variant.
Coding change: c.1610T>G on transcript NM_020247.5 (MANE Select); coding-DNA position 1610, T replaced by G.
Protein change: p.Val537Gly; replaces valine 537 with glycine.
Molecular consequence: missense variant.
Genome position (GRCh38, 1-based): chr1:226,985,291, T>G. VCF-style: chr1-226985291-T-G. GRCh37 (hg19) VCF-style: chr1-227172992-T-G.
Other names: short protein forms V537G.
Identifiers: ClinVar variation 1362922 (VCV001362922.4), dbSNP rs199724504, ClinGen allele CA1425586.

ClinVar aggregate classification (germline): Uncertain significance (1 of 4 stars; one submission).

Allele frequency attached by ClinVar (database versions not stated): ExAC 0.00005; 1000 Genomes Project 0.00040; 1000 Genomes Project 30x 0.00062.
gnomAD v4.1: 22 of 1,613,732 alleles (0.0014%); highest among the groups gnomAD compares: Admixed American, 0.027%; no homozygotes.

Submission:

Labcorp Genetics (formerly Invitae), Labcorp
Classification: Uncertain significance. Last evaluated: 2025-08-19. Review status: criteria provided, single submitter. Criteria: Invitae Variant Classification Sherloc (09022015). Collection method: clinical testing. Allele origin: germline.
Comment: This sequence change replaces valine, which is neutral and non-polar, with glycine, which is neutral and non-polar, at codon 537 of the COQ8A protein (p.Val537Gly). This variant is present in population databases (rs199724504, gnomAD 0.02%). This variant has not been reported in the literature in individuals affected with COQ8A-related conditions. ClinVar contains an entry for this variant (Variation ID: 1362922). Invitae Evidence Modeling of protein sequence and biophysical properties (such as structural, functional, and spatial information, amino acid conservation, physicochemical variation, residue mobility, and thermodynamic stability) has been performed for this missense variant. However, the output from this modeling did not meet the statistical confidence thresholds required to predict the impact of this variant on COQ8A protein function. In summary, the available evidence is currently insufficient to determine the role of this variant in disease. Therefore, it has been classified as a Variant of Uncertain Significance.